The following is an entry in ClinVar:

NM_000158.4(GBE1):c.143+11A>C

Gene: GBE1 (1,4-alpha-glucan branching enzyme 1; minus strand). Cytogenetic location: 3p12.2.
Variant type: single nucleotide variant.
Coding change: c.143+11A>C on transcript NM_000158.4 (MANE Select); 11 bases into the intron after coding-DNA position 143, A replaced by C.
Molecular consequence: intron variant.
Genome position (GRCh38, 1-based): chr3:81,761,364, T>G on the plus strand (A>C on the coding strand, the complement: GBE1 is on the minus strand). VCF-style: chr3-81761364-T-G. GRCh37 (hg19) VCF-style: chr3-81810515-T-G.
Identifiers: ClinVar variation 381417 (VCV000381417.20), dbSNP rs145918282, ClinGen allele CA2500075.

ClinVar aggregate classification (germline): Benign/Likely benign. Review status: criteria provided, multiple submitters, no conflicts (2 of 4 stars). 7 submissions from 6 submitters: Benign (4); Likely benign (2). 1 of the submissions does not count toward it. Last evaluated 2026-01-28.

Conditions:
Adult polyglucosan body disease (APBN). Also called: POLYGLUCOSAN BODY DISEASE, ADULT FORM; GBE1-Adult Polyglucosan Body Disease. Identifiers: Orphanet 206583, MedGen C1849722, MONDO:0009897, OMIM 263570.
Glycogen storage disease, type IV (GSD4). Also called: BRANCHER DEFICIENCY; CIRRHOSIS, FAMILIAL, WITH DEPOSITION OF ABNORMAL GLYCOGEN; GBE1 DEFICIENCY; GLYCOGEN BRANCHING ENZYME DEFICIENCY; GLYCOGENOSIS IV; GSD IV. Identifiers: Orphanet 367, MedGen C0017923, MONDO:0009292, OMIM 232500.
Glycogen storage disease IV, classic hepatic. Also called: GSD IV, CLASSIC HEPATIC. Identifiers: MedGen C1856301.

Allele frequency attached by ClinVar (database versions not stated): gnomAD exomes 0.00048 and 0.00111; ExAC 0.00156; gnomAD 0.00507 and 0.00545; TOPMed 0.00551; ESP Exome Variant Server 0.00566; 1000 Genomes Project 0.00599; 1000 Genomes Project 30x 0.00609.
gnomAD v4.1: 1,478 of 1,602,482 alleles (0.092%); highest among the groups gnomAD compares: African/African-American, 1.9%; 7 homozygotes.

Submissions (7):

Labcorp Genetics (formerly Invitae), Labcorp
Classification: Benign for Glycogen storage disease, type IV; Glycogen storage disease IV, classic hepatic. Last evaluated: 2026-01-28. Review status: criteria provided, single submitter. Criteria: Invitae Variant Classification Sherloc (09022015). Collection method: clinical testing. Allele origin: germline.

Blueprint Genetics
Classification: Likely benign. Last evaluated: 2024-11-26. Review status: criteria provided, single submitter. Criteria: ACMG Guidelines, 2015. Collection method: clinical testing. Allele origin: germline.

ARUP Laboratories, Molecular Genetics and Genomics, ARUP Laboratories
Classification: Benign. Last evaluated: 2024-10-21. Review status: criteria provided, single submitter. Criteria: ARUP Molecular Germline Variant Investigation Process 2024. Collection method: clinical testing. Allele origin: germline.

Illumina Laboratory Services, Illumina
Classification: Benign for Adult polyglucosan body disease. Last evaluated: 2018-01-12. Review status: criteria provided, single submitter. Criteria: ICSL Variant Classification Criteria 13 December 2019. Collection method: clinical testing. Allele origin: germline.
Comment: This variant was observed in the ICSL laboratory as part of a predisposition screen in an ostensibly healthy population. It had not been previously curated by ICSL or reported in the Human Gene Mutation Database (HGMD: prior to June 1st, 2018), and was therefore a candidate for classification through an automated scoring system. Utilizing variant allele frequency, disease prevalence and penetrance estimates, and inheritance mode, an automated score was calculated to assess if this variant is too frequent to cause the disease. Based on the score and internal cut-off values, a variant classified as benign is not then subjected to further curation. The score for this variant resulted in a classification of benign for this disease.

Illumina Laboratory Services, Illumina
Classification: Benign for Glycogen storage disease, type IV. Last evaluated: 2018-01-12. Review status: criteria provided, single submitter. Criteria: ICSL Variant Classification Criteria 13 December 2019. Collection method: clinical testing. Allele origin: germline.
Comment: the same text as in the submission from Illumina Laboratory Services, Illumina above.

GeneDx
Classification: Likely benign. Last evaluated: 2016-02-22. Review status: criteria provided, single submitter. Criteria: GeneDx Variant Classification (06012015). Collection method: clinical testing. Allele origin: germline. Affected: yes.
Comment: This variant is considered likely benign or benign based on one or more of the following criteria: it is a conservative change, it occurs at a poorly conserved position in the protein, it is predicted to be benign by multiple in silico algorithms, and/or has population frequency not consistent with disease.

Mayo Clinic Laboratories, Mayo Clinic
Classification: Likely benign. Last evaluated: 2017-05-17. Review status: no assertion criteria provided. Collection method: clinical testing. Allele origin: unknown. Not counted in ClinVar's aggregate classification.